The following is an entry in ClinVar:

NM_031935.3(HMCN1):c.11060C>G (p.Thr3687Arg)

Gene: HMCN1 (hemicentin 1; plus strand). Cytogenetic location: 1q31.1.
Variant type: single nucleotide variant.
Coding change: c.11060C>G on transcript NM_031935.3 (MANE Select); coding-DNA position 11060, C replaced by G.
Protein change: p.Thr3687Arg; replaces threonine 3687 with arginine.
Molecular consequence: missense variant.
Genome position (GRCh38, 1-based): chr1:186,112,882, C>G. VCF-style: chr1-186112882-C-G. GRCh37 (hg19) VCF-style: chr1-186082014-C-G.
Other names: short protein forms T3687R.
Identifiers: ClinVar variation 2702139 (VCV002702139.3), dbSNP rs2527996703, ClinGen allele CA343939890.
Genomic context (GRCh38, chr1:186,112,882, plus strand): 5'-GAGTGCGAATCCTATCTGGAGGGAGATACTTGCAAATCAACAATGCTGACCTAGGTGATA[C>G]AGCCAATTATACCTGTGTTGCCAGCAACATTGCAGGAAAGACTACAAGAGAATTTATTCT-3'
Protein context (NP_114141.2, residues 3677-3697): LQINNADLGD[Thr3687Arg]ANYTCVASNI

ClinVar aggregate classification (germline): Uncertain significance (1 of 4 stars; one submission).

Allele frequency attached by ClinVar (database versions not stated): gnomAD exomes below 0.00001.
gnomAD v4.1: 1 of 1,614,104 alleles (0.000062%); highest among the groups gnomAD compares: Non-Finnish European, 0.000085%; no homozygotes.

Submission:

Labcorp Genetics (formerly Invitae), Labcorp
Classification: Uncertain significance. Last evaluated: 2023-12-10. Review status: criteria provided, single submitter. Criteria: Invitae Variant Classification Sherloc (09022015). Collection method: clinical testing. Allele origin: germline.
Comment: This sequence change replaces threonine, which is neutral and polar, with arginine, which is basic and polar, at codon 3687 of the HMCN1 protein (p.Thr3687Arg). This variant is not present in population databases (gnomAD no frequency). This variant has not been reported in the literature in individuals affected with HMCN1-related conditions. An algorithm developed to predict the effect of missense changes on protein structure and function (PolyPhen-2) suggests that this variant is likely to be disruptive. In summary, the available evidence is currently insufficient to determine the role of this variant in disease. Therefore, it has been classified as a Variant of Uncertain Significance.